The following is an entry in ClinVar:

NM_007294.4(BRCA1):c.4990C>A (p.Leu1664Ile)

Gene: BRCA1 (BRCA1 DNA repair associated; minus strand). Cytogenetic location: 17q21.31.
Variant type: single nucleotide variant.
Coding change: c.4990C>A on transcript NM_007294.4 (MANE Select); coding-DNA position 4990, C replaced by A.
Protein change: p.Leu1664Ile; replaces leucine 1664 with isoleucine.
Molecular consequence: missense variant. On other transcripts: non-coding transcript variant (1).
Genome position (GRCh38, 1-based): chr17:43,067,692, G>T on the plus strand (C>A on the coding strand, the complement: BRCA1 is on the minus strand). VCF-style: chr17-43067692-G-T. GRCh37 (hg19) VCF-style: chr17-41219709-G-T.
Other names: c.4777C>A, p.Leu1593Ile (NM_001407571.1, NM_001407894.1, NM_001407895.1 and 12 more transcripts); c.5056C>A, p.Leu1686Ile (NM_001407581.1, NM_001407582.1); c.5053C>A, p.Leu1685Ile (NM_001407583.1, NM_001407585.1, NM_001407587.1 and 1 more transcripts); c.5050C>A, p.Leu1684Ile (NM_001407590.1, NM_001407591.1); c.4990C>A, p.Leu1664Ile (NM_001407593.1, NM_001407594.1, NM_001407596.1 and 8 more transcripts); c.4987C>A, p.Leu1663Ile (NM_001407619.1, NM_001407620.1, NM_001407621.1 and 17 more transcripts); c.4984C>A, p.Leu1662Ile (NM_001407627.1, NM_001407638.1, NM_001407639.1 and 14 more transcripts); c.4981C>A, p.Leu1661Ile (NM_001407644.1, NM_001407645.1); and 70 more; short protein forms L1617I, L1664I, L1685I, L560I, L1367I, L1510I, L1575I, L1593I.
Identifiers: ClinVar variation 868500 (VCV000868500.3), dbSNP rs1467535423, ClinGen allele CA10591538.

Conditions:
Breast-ovarian cancer, familial, susceptibility to, 1 (BROVCA1). Also called: BRCA1 Hereditary Breast and Ovarian Cancer; OVARIAN CANCER, SUSCEPTIBILITY TO. Identifiers: Orphanet 145, MedGen C2676676, MONDO:0011450, OMIM 604370. Disease mechanism: loss of function.

Submission:

Brotman Baty Institute, University of Washington
No classification provided (evidence only). Condition: Breast-ovarian cancer, familial 1. Review status: no classification provided. Collection method: in vitro. Allele origin: not applicable. Functional consequence: functionally_normal.
ClinVar note: "not provided" was previously submitted as the classification for the variant. However, the classification appeared to be based only on an observation of functional data so it was converted to no classification on 2025-07-30.